The following is an entry in ClinVar:

NM_000465.4(BARD1):c.2333G>T (p.Ter778Leu)

Gene: BARD1 (BRCA1 associated RING domain 1; minus strand). Cytogenetic location: 2q35.
Variant type: single nucleotide variant.
Coding change: c.2333G>T on transcript NM_000465.4 (MANE Select); coding-DNA position 2333, G replaced by T.
Protein change: p.Ter778Leu.
Molecular consequence: stop lost. On other transcripts: non-coding transcript variant (3).
Genome position (GRCh38, 1-based): chr2:214,728,677, C>A on the plus strand (G>T on the coding strand, the complement: BARD1 is on the minus strand). VCF-style: chr2-214728677-C-A. GRCh37 (hg19) VCF-style: chr2-215593401-C-A.
Other names: c.2276G>T, p.Ter759Leu (NM_001282543.2); c.980G>T, p.Ter327Leu (NM_001282545.2); c.923G>T, p.Ter308Leu (NM_001282548.2); c.794G>T, p.Ter265Leu (NM_001282549.2).
Identifiers: ClinVar variation 3260447 (VCV003260447.1).

ClinVar aggregate classification (germline): Uncertain significance (1 of 4 stars; one submission).

Conditions:
Hereditary cancer-predisposing syndrome. Also called: Hereditary Cancer Syndrome; Tumor predisposition; Hereditary neoplastic syndrome; Neoplastic Syndromes, Hereditary. Identifiers: Orphanet 140162, MedGen C0027672, MeSH D009386, MONDO:0015356.

Submission:

Ambry Genetics
Classification: Uncertain significance for Hereditary cancer-predisposing syndrome. Last evaluated: 2024-05-31. Review status: criteria provided, single submitter. Criteria: Ambry Variant Classification Scheme 2023. Collection method: clinical testing. Allele origin: germline.
Comment: The c.2333G>T variant (also known as p.*778Lext*10), located in coding exon 11 of the BARD1 gene, results from a G to T substitution at nucleotide position 2333. This alteration disrupts the stop codon of the BARD1 gene and is predicted to preserve the native sequence while resulting in the elongation of the protein by 10 amino acids. The exact functional effect of the additional amino acids is unknown. Based on the available evidence, the clinical significance of this variant remains unclear.